The following is an entry in ClinVar:

NM_004044.7(ATIC):c.1751A>G (p.His584Arg)

Gene: ATIC (5-aminoimidazole-4-carboxamide ribonucleotide formyltransferase/IMP cyclohydrolase; plus strand). Cytogenetic location: 2q35.
Variant type: single nucleotide variant.
Coding change: c.1751A>G on transcript NM_004044.7 (MANE Select); coding-DNA position 1751, A replaced by G.
Protein change: p.His584Arg; replaces histidine 584 with arginine.
Molecular consequence: missense variant.
Genome position (GRCh38, 1-based): chr2:215,349,627, A>G. VCF-style: chr2-215349627-A-G. GRCh37 (hg19) VCF-style: chr2-216214350-A-G.
Other names: short protein forms H584R.
Identifiers: ClinVar variation 548528 (VCV000548528.15), dbSNP rs201429123, ClinGen allele CA2093497.
Genomic context (GRCh38, chr2:215,349,627, plus strand): 5'-GTTCTGCTGCTGACAAAGTTGTGATTGAGGCCTGCGACGAACTGGGAATCATCCTCGCTC[A>G]TACGAACCTTCGGCTCTTCCACCACTGATTTTACCACACACTGTTTTTTGGCTTGCTTAT-3'
Protein context (NP_004035.2, residues 574-592): ACDELGIILA[His584Arg]TNLRLFHH

ClinVar aggregate classification (germline): Uncertain significance. Review status: criteria provided, multiple submitters, no conflicts (2 of 4 stars). 4 submissions from 4 submitters: Uncertain significance (4). Last evaluated 2025-09-02.

Conditions:
AICA-ribosiduria. Also called: ATIC DEFICIENCY; AICA-ribosiduria due to ATIC deficiency. Identifiers: Orphanet 250977, MedGen C1837530, MONDO:0012099, OMIM 608688.

Allele frequency attached by ClinVar (database versions not stated): gnomAD 0.00010 and 0.00011; gnomAD exomes 0.00010 and 0.00011; ExAC 0.00015; 1000 Genomes Project 30x 0.00016; 1000 Genomes Project 0.00020; TOPMed 0.00020.
gnomAD v4.1: 188 of 1,614,192 alleles (0.012%); highest among the groups gnomAD compares: Middle Eastern, 0.45%; 2 homozygotes.

Submissions (4):

Labcorp Genetics (formerly Invitae), Labcorp
Classification: Uncertain significance. Last evaluated: 2025-09-02. Review status: criteria provided, single submitter. Criteria: Invitae Variant Classification Sherloc (09022015). Collection method: clinical testing. Allele origin: germline.
Comment: This sequence change replaces histidine, which is basic and polar, with arginine, which is basic and polar, at codon 584 of the ATIC protein (p.His584Arg). This variant is present in population databases (rs201429123, gnomAD 0.01%). This variant has not been reported in the literature in individuals affected with ATIC-related conditions. ClinVar contains an entry for this variant (Variation ID: 548528). Invitae Evidence Modeling of protein sequence and biophysical properties (such as structural, functional, and spatial information, amino acid conservation, physicochemical variation, residue mobility, and thermodynamic stability) indicates that this missense variant is not expected to disrupt ATIC protein function with a negative predictive value of 80%. Algorithms developed to predict the effect of sequence changes on RNA splicing suggest that this variant may create or strengthen a splice site. In summary, the available evidence is currently insufficient to determine the role of this variant in disease. Therefore, it has been classified as a Variant of Uncertain Significance.

Ambry Genetics
Classification: Uncertain significance. Last evaluated: 2025-05-13. Review status: criteria provided, single submitter. Criteria: Ambry Variant Classification Scheme 2023. Collection method: clinical testing. Allele origin: germline.

Genomic Research Center, Shahid Beheshti University of Medical Sciences
Classification: Uncertain significance for AICA-RIBOSIDURIA DUE TO ATIC DEFICIENCY (1 patient). Last evaluated: 2018-03-05. Review status: criteria provided, single submitter. Criteria: ACMG Guidelines, 2015. Collection method: clinical testing. Allele origin: inherited. Affected: yes. Observed: 1 variant allele.

Breakthrough Genomics
Classification: Uncertain significance. Review status: criteria provided, single submitter. Criteria: ACMG Guidelines, 2015. Collection method: not provided. Allele origin: germline. Inheritance: Autosomal recessive inheritance. Affected: yes.